The following is an entry in ClinVar:

ClinVar aggregate classification (germline): Uncertain significance. Review status: criteria provided, multiple submitters, no conflicts (2 of 4 stars). 2 submissions from 2 submitters: Uncertain significance (2). Last evaluated 2026-05-03.

Conditions:
Autosomal dominant non-syndromic intellectual disability. Identifiers: Orphanet 178469, MedGen C5680502, MONDO:0015802.

gnomAD v4.1: 26 of 1,613,936 alleles (0.0016%); highest among the groups gnomAD compares: Non-Finnish European, 0.002%; no homozygotes.

Submissions (2):

Department of Human Genetics, University Hospital Bern, Inselspital
Classification: Uncertain significance for Autosomal dominant non-syndromic intellectual disability. Last evaluated: 2026-05-03. Review status: criteria provided, single submitter. Criteria: ACMG Guidelines, 2015. Collection method: clinical testing. Allele origin: inherited. Affected: yes.
Comment: The missense variant affects a highly conserved amino acid in the important kinase domain and is predicted to have a damaging effect by AlphaMissense and PrimateAI-3D. In summary, criteria PP1_Supporting and PP3_Supporting were used.

Blueprint Genetics
Classification: Uncertain significance. Last evaluated: 2021-12-14. Review status: criteria provided, single submitter. Criteria: ACMG Guidelines, 2015. Collection method: clinical testing. Allele origin: germline.

Literature cited by the submitters: PubMed 42509346 (cited by Department of Human Genetics, University Hospital Bern, Inselspital).

NM_001256627.2(BRSK2):c.202G>A (p.Ala68Thr)

Gene: BRSK2 (BR serine/threonine kinase 2; plus strand). Cytogenetic location: 11p15.5.
Variant type: single nucleotide variant.
Coding change: c.202G>A on transcript NM_001256627.2 (MANE Select); coding-DNA position 202, G replaced by A.
Protein change: p.Ala68Thr; replaces alanine 68 with threonine.
Molecular consequence: missense variant. On other transcripts: non-coding transcript variant (1).
Genome position (GRCh38, 1-based): chr11:1,438,321, G>A. VCF-style: chr11-1438321-G-A. GRCh37 (hg19) VCF-style: chr11-1459551-G-A.
Other names: c.202G>A, p.Ala68Thr (NM_001256629.2, NM_001440665.1, NM_001440666.1 and 3 more transcripts); c.340G>A, p.Ala114Thr (NM_001256630.1, NM_001440667.1); c.22G>A, p.Ala8Thr (NM_001282218.2, NM_001440669.1, NM_001440671.1 and 5 more transcripts); short protein forms A114T, A68T, A8T.
Identifiers: ClinVar variation 4849549 (VCV004849549.2).